The following is an entry in ClinVar:

ClinVar aggregate classification (germline): Uncertain significance (1 of 4 stars; one submission).

Conditions:
Familial thoracic aortic aneurysm and aortic dissection (TAAD). Also called: Thoracic aortic aneurysms and dissections. Identifiers: Orphanet 91387, MedGen C4707243, MONDO:0019625.

Submission:

Ambry Genetics
Classification: Uncertain significance for Familial thoracic aortic aneurysm and aortic dissection. Last evaluated: 2026-07-06. Review status: criteria provided, single submitter. Criteria: Ambry Variant Classification Scheme 2023. Collection method: clinical testing. Allele origin: germline.
Comment: The p.M1393I variant (also known as c.4179G>A), located in coding exon 50 of the COL3A1 gene, results from a G to A substitution at nucleotide position 4179. The methionine at codon 1393 is replaced by isoleucine, an amino acid with highly similar properties. This amino acid position is conserved. In addition, this alteration is predicted to be tolerated by in silico analysis. Based on the available evidence, the clinical significance of this variant remains unclear.

NM_000090.4(COL3A1):c.4179G>A (p.Met1393Ile)

Gene: COL3A1 (collagen type III alpha 1 chain; plus strand). Cytogenetic location: 2q32.2.
Variant type: single nucleotide variant.
Coding change: c.4179G>A on transcript NM_000090.4 (MANE Select); coding-DNA position 4179, G replaced by A.
Protein change: p.Met1393Ile; replaces methionine 1393 with isoleucine.
Molecular consequence: missense variant.
Genome position (GRCh38, 1-based): chr2:189,010,815, G>A. VCF-style: chr2-189010815-G-A. GRCh37 (hg19) VCF-style: chr2-189875541-G-A.
Other names: short protein forms M1393I.
Identifiers: ClinVar variation 5034752 (VCV005034752.1).